The following is an entry in ClinVar:

NM_022124.6(CDH23):c.5009T>A (p.Val1670Asp)

Gene: CDH23 (cadherin related 23; plus strand). Cytogenetic location: 10q22.1.
Variant type: single nucleotide variant.
Coding change: c.5009T>A on transcript NM_022124.6 (MANE Select); coding-DNA position 5009, T replaced by A.
Protein change: p.Val1670Asp; replaces valine 1670 with aspartic acid.
Molecular consequence: missense variant.
Genome position (GRCh38, 1-based): chr10:71,777,843, T>A. VCF-style: chr10-71777843-T-A. GRCh37 (hg19) VCF-style: chr10-73537600-T-A.
Other names: short protein forms V1670D.
Identifiers: ClinVar variation 45959 (VCV000045959.16), dbSNP rs397517333, ClinGen allele CA137450.

ClinVar aggregate classification (germline): Conflicting classifications of pathogenicity. Review status: criteria provided, conflicting classifications (1 of 4 stars). 8 submissions from 8 submitters: Pathogenic (1); Likely pathogenic (3); Uncertain significance (3). 1 of the submissions does not count toward it. Last evaluated 2026-06-30.

Conditions:
Autosomal recessive nonsyndromic hearing loss 12. Also called: DEAFNESS, AUTOSOMAL RECESSIVE 12. Identifiers: Orphanet 90636, MedGen C1832394, MONDO:0011067, OMIM 601386.
Pituitary adenoma 5, multiple types. Identifiers: MedGen C4539685, MONDO:0054601, OMIM 617540.
Usher syndrome type 1D (USH1D). Also called: USHER SYNDROME, TYPE ID. Identifiers: Orphanet 231169, Orphanet 886, MedGen C1832845, MONDO:0010984, OMIM 601067.
Monogenic hearing loss.
CDH23-related disorder. Also called: CDH23-related disorders; CDH23-related condition.
Usher syndrome type 1 (USH1). Also called: RETINITIS PIGMENTOSA AND CONGENITAL DEAFNESS. Identifiers: Orphanet 231169, Orphanet 886, MedGen C1568247, MONDO:0010168, OMIM 276900.

Allele frequency attached by ClinVar (database versions not stated): gnomAD exomes 0.00003 and 0.00007; ExAC 0.00006.
gnomAD v4.1: 48 of 1,613,856 alleles (0.003%); highest among the groups gnomAD compares: South Asian, 0.041%; 1 homozygote.

Submissions (8):

PreventionGenetics, part of Exact Sciences
Classification: Uncertain significance for CDH23-related condition. Last evaluated: 2026-06-30. Review status: criteria provided, single submitter. Criteria: ACMG Guidelines, 2015. Collection method: clinical testing. Allele origin: germline.
Comment: The CDH23 c.5009T>A variant is predicted to result in the amino acid substitution p.Val1670Asp. This variant was reported in the compound heterozygous state with a second potentially causative CDH23 variant in four siblings with hearing loss, with both variants not present in two unaffected siblings (Ramzan et al. 2020. PubMed ID: 33316915). This variant is reported in 0.042% of alleles in individuals of South Asian descent in gnomAD. Although we suspect that this variant may be pathogenic, at this time, the clinical significance of this variant is uncertain due to the absence of conclusive functional and genetic evidence.

Genetics Laboratory, Great Ormond Street Hospital NHS Foundation Trust, North Thames Genomic Laboratory Hub
Classification: Likely pathogenic for Monogenic hearing loss. Last evaluated: 2026-03-17. Review status: criteria provided, single submitter. Criteria: ACGS Best Practice Guidelines for Variant Classification in Rare Disease 2024 v1.2. Collection method: clinical testing. Allele origin: germline. Affected: yes.
Comment: PM2_supporting, PP1_strong, PM3_moderate

Labcorp Genetics (formerly Invitae), Labcorp
Classification: Pathogenic. Last evaluated: 2026-01-17. Review status: criteria provided, single submitter. Criteria: Invitae Variant Classification Sherloc (09022015). Collection method: clinical testing. Allele origin: germline.
Comment: This sequence change replaces valine, which is neutral and non-polar, with aspartic acid, which is acidic and polar, at codon 1670 of the CDH23 protein (p.Val1670Asp). This variant is present in population databases (rs397517333, gnomAD 0.04%). This missense change has been observed in individual(s) with deafness (PMID: 33316915). In at least one individual the data is consistent with being in trans (on the opposite chromosome) from a pathogenic variant. It has also been observed to segregate with disease in related individuals. ClinVar contains an entry for this variant (Variation ID: 45959). Invitae Evidence Modeling of protein sequence and biophysical properties (such as structural, functional, and spatial information, amino acid conservation, physicochemical variation, residue mobility, and thermodynamic stability) has been performed for this missense variant. However, the output from this modeling did not meet the statistical confidence thresholds required to predict the impact of this variant on CDH23 protein function. For these reasons, this variant has been classified as Pathogenic.

GeneDx
Classification: Uncertain significance. Last evaluated: 2024-07-31. Review status: criteria provided, single submitter. Criteria: GeneDx Variant Classification Process June 2021. Collection method: clinical testing. Allele origin: germline. Affected: yes.
Comment: In silico analysis supports that this missense variant has a deleterious effect on protein structure/function; This variant is associated with the following publications: (PMID: 33316915)

Fulgent Genetics
Classification: Likely pathogenic for Usher syndrome type 1D; Autosomal recessive nonsyndromic hearing loss 12; Pituitary adenoma 5, multiple types. Last evaluated: 2024-05-10. Review status: criteria provided, single submitter. Criteria: ACMG Guidelines, 2015. Collection method: clinical testing. Allele origin: germline.

Blueprint Genetics
Classification: Likely pathogenic for CDH23-related disorders. Last evaluated: 2020-01-03. Review status: criteria provided, single submitter. Criteria: ACMG Guidelines, 2015. Collection method: clinical testing. Allele origin: germline. Affected: yes. Observed: 3 variant alleles.

Laboratory for Molecular Medicine, Mass General Brigham Personalized Medicine
Classification: Uncertain significance. Last evaluated: 2010-06-18. Review status: criteria provided, single submitter. Criteria: LMM Criteria. Collection method: clinical testing. Allele origin: germline. Observed: 1 variant allele.
Comment: Variant classified as Uncertain Significance - Favor Pathogenic.

Natera, Inc.
Classification: Uncertain significance for Usher syndrome type 1. Last evaluated: 2020-04-16. Review status: no assertion criteria provided. Collection method: clinical testing. Allele origin: germline. Not counted in ClinVar's aggregate classification.

Literature cited by the submitters: PubMed 33316915 (cited by Labcorp Genetics (formerly Invitae), Labcorp).